The following is an entry in ClinVar:

NM_002769.5(PRSS1):c.490C>A (p.Pro164Thr)

Genes: TRB (T cell receptor beta locus; plus strand), PRSS1 (serine protease 1; plus strand). Cytogenetic location: 7q34.
Variant type: single nucleotide variant.
Coding change: c.490C>A on transcript NM_002769.5 (MANE Select); coding-DNA position 490, C replaced by A.
Protein change: p.Pro164Thr; replaces proline 164 with threonine.
Molecular consequence: missense variant. On other transcripts: non-coding transcript variant (5).
Genome position (GRCh38, 1-based): chr7:142,752,466, C>A. VCF-style: chr7-142752466-C-A. GRCh37 (hg19) VCF-style: chr7-142460317-C-A.
Other names: short protein forms P164T.
Identifiers: ClinVar variation 3783987 (VCV003783987.1).

ClinVar aggregate classification (germline): Uncertain significance (1 of 4 stars; one submission).

Conditions:
Hereditary pancreatitis (PCTT). Also called: PRSS1-Related Hereditary Pancreatitis; Hereditary chronic pancreatitis. Identifiers: Orphanet 676, MedGen C0238339, MONDO:0008185, OMIM 167800.

gnomAD v4.1: 1 of 1,614,144 alleles (0.000062%); highest among the groups gnomAD compares: East Asian, 0.0022%; no homozygotes.

Submission:

Ambry Genetics
Classification: Uncertain significance for Hereditary pancreatitis. Last evaluated: 2025-02-10. Review status: criteria provided, single submitter. Criteria: Ambry Variant Classification Scheme 2023. Collection method: clinical testing. Allele origin: germline.
Comment: The p.P164T variant (also known as c.490C>A), located in coding exon 4 of the PRSS1 gene, results from a C to A substitution at nucleotide position 490. The proline at codon 164 is replaced by threonine, an amino acid with highly similar properties. This amino acid position is conserved. In addition, this alteration is predicted to be deleterious by in silico analysis. Based on the available evidence, the clinical significance of this variant remains unclear.